The following is an entry in ClinVar:

NM_001849.4(COL6A2):c.1070C>G (p.Pro357Arg)

Gene: COL6A2 (collagen type VI alpha 2 chain; plus strand). Cytogenetic location: 21q22.3.
Variant type: single nucleotide variant.
Coding change: c.1070C>G on transcript NM_001849.4 (MANE Select); coding-DNA position 1070, C replaced by G.
Protein change: p.Pro357Arg; replaces proline 357 with arginine.
Molecular consequence: missense variant.
Genome position (GRCh38, 1-based): chr21:46,117,890, C>G. VCF-style: chr21-46117890-C-G. GRCh37 (hg19) VCF-style: chr21-47537804-C-G.
Other names: p.Pro357Arg; c.1070C>G, p.Pro357Arg (NM_058174.3, NM_058175.3); short protein forms P357R.
Identifiers: ClinVar variation 194041 (VCV000194041.64), dbSNP rs199929757, ClinGen allele CA239826.

ClinVar aggregate classification (germline): Conflicting classifications of pathogenicity. Review status: criteria provided, conflicting classifications (1 of 4 stars). 8 submissions from 8 submitters: Uncertain significance (2); Benign (1); Likely benign (4). 1 of the submissions does not count toward it. Last evaluated 2026-05-01.

Conditions:
COL6A2-related disorder.
Collagen 6-related myopathy. Identifiers: MedGen CN117976, MONDO:0100225.
Bethlem myopathy 1A. Also called: Bethlem myopathy 1; MYOPATHY, BENIGN CONGENITAL, WITH CONTRACTURES; Bethlem Muscular Dystrophy. Identifiers: Orphanet 610, MedGen CN029274, MONDO:0024530, OMIM 158810.

Allele frequency attached by ClinVar (database versions not stated): 1000 Genomes Project 30x 0.00047; 1000 Genomes Project 0.00060; TOPMed 0.00088; gnomAD exomes 0.00098; gnomAD 0.00105; ExAC 0.00108; ESP Exome Variant Server 0.00123.
gnomAD v4.1: 1,681 of 1,612,406 alleles (0.1%); highest among the groups gnomAD compares: Middle Eastern, 0.17%; 3 homozygotes.

Submissions (8):

CeGaT Center for Human Genetics Tuebingen
Classification: Likely benign. Last evaluated: 2026-05-01. Review status: criteria provided, single submitter. Criteria: CeGaT Center For Human Genetics Tuebingen Variant Classification Criteria Version 2. Collection method: clinical testing. Allele origin: germline. Affected: yes. Observed: 7 variant alleles.
Comment: COL6A2: BP5, BS1

Labcorp Genetics (formerly Invitae), Labcorp
Classification: Likely benign for Bethlem myopathy 1A. Last evaluated: 2026-01-19. Review status: criteria provided, single submitter. Criteria: Invitae Variant Classification Sherloc (09022015). Collection method: clinical testing. Allele origin: germline.

Mayo Clinic Laboratories, Mayo Clinic
Classification: Likely benign. Last evaluated: 2025-10-06. Review status: criteria provided, single submitter. Criteria: ACMG Guidelines, 2015. Collection method: clinical testing. Allele origin: germline. Observed: 3 variant alleles.
Comment: BS1, BS2

Blueprint Genetics
Classification: Uncertain significance. Last evaluated: 2024-11-28. Review status: criteria provided, single submitter. Criteria: ACMG Guidelines, 2015. Collection method: clinical testing. Allele origin: germline.

Illumina Laboratory Services, Illumina
Classification: Benign for Collagen VI-related myopathy. Last evaluated: 2018-01-13. Review status: criteria provided, single submitter. Criteria: ICSL Variant Classification Criteria 13 December 2019. Collection method: clinical testing. Allele origin: germline.
Comment: This variant was observed in the ICSL laboratory as part of a predisposition screen in an ostensibly healthy population. It had not been previously curated by ICSL or reported in the Human Gene Mutation Database (HGMD: prior to June 1st, 2018), and was therefore a candidate for classification through an automated scoring system. Utilizing variant allele frequency, disease prevalence and penetrance estimates, and inheritance mode, an automated score was calculated to assess if this variant is too frequent to cause the disease. Based on the score and internal cut-off values, a variant classified as benign is not then subjected to further curation. The score for this variant resulted in a classification of benign for this disease.

GeneDx
Classification: Uncertain significance. Last evaluated: 2017-04-11. Review status: criteria provided, single submitter. Criteria: GeneDx Variant Classification (06012015). Collection method: clinical testing. Allele origin: germline. Affected: yes.
Comment: The P357R variant has not been published as a pathogenic variant, nor has it been reported as a benign variant to our knowledge. The P357R variant is observed in 96/58912 (0.16%) alleles from individuals of European background (Lek et al., 2016; 1000 Genomes Consortium et al., 2015; Exome Variant Server). This variant is a non-conservative amino acid substitution, which is likely to impact secondary protein structure as these residues differ in polarity, charge, size and/or other properties. Additionally, in silico analysis predicts this variant is probably damaging to the protein structure/function. However, this substitution occurs at a position that is not conserved, and missense variants in nearby residues have not been reported in the Human Gene Mutation Database in association with COL6A2-related disorders (Stenson et al., 2014).

Eurofins Ntd Llc (ga)
Classification: Likely benign. Last evaluated: 2016-11-04. Review status: criteria provided, single submitter. Criteria: EGL Classification Definitions 2015. Collection method: clinical testing. Allele origin: germline. Observed: 11 variant alleles, 11 heterozygotes.

PreventionGenetics, part of Exact Sciences
Classification: Likely benign for COL6A2-related condition. Last evaluated: 2021-09-09. Review status: no assertion criteria provided. Collection method: clinical testing. Allele origin: germline. Not counted in ClinVar's aggregate classification.
Comment: This variant is classified as likely benign based on ACMG/AMP sequence variant interpretation guidelines (Richards et al. 2015 PMID: 25741868, with internal and published modifications).

Literature cited by the submitters: PubMed 30467950 (cited by Mayo Clinic Laboratories, Mayo Clinic); PubMed 30564623 (cited by Mayo Clinic Laboratories, Mayo Clinic).